The following is an entry in ClinVar:

ClinVar aggregate classification (germline): Benign (1 of 4 stars; one submission).

Submission:

Laboratory for Molecular Medicine, Mass General Brigham Personalized Medicine
Classification: Benign. Last evaluated: 2017-06-20. Review status: criteria provided, single submitter. Criteria: LMM Criteria. Collection method: clinical testing. Allele origin: germline. Observed: 2 variant alleles.
Comment: m.1391T>C in MT-RNR1: This variant is not expected to have clinical significance because it has been identified at high frequency in several populations as repo rted in MITOMAP, including 97.6% (40/41) of haplogroup R1a, and 100% (36/36) of haplogroup Q1c (MITOMAP) .

Literature cited by the submitters: PubMed 15805873; PubMed 16266762.

NC_012920.1(MT-RNR1):m.1391T>C

Gene: MT-RNR1 (mitochondrially encoded 12S RNA; plus strand).
Variant type: single nucleotide variant.
Genome position: chrM-1391-T-C.
Identifiers: ClinVar variation 42216 (VCV000042216.4), dbSNP rs111033357, ClinGen allele CA131002.